The following is an entry in ClinVar:

NM_000053.4(ATP7B):c.4058G>A (p.Trp1353Ter)

Gene: ATP7B (ATPase copper transporting beta; minus strand). Cytogenetic location: 13q14.3.
Variant type: single nucleotide variant.
Coding change: c.4058G>A on transcript NM_000053.4 (MANE Select); coding-DNA position 4058, G replaced by A.
Protein change: p.Trp1353Ter; replaces tryptophan 1353 with a stop codon.
Molecular consequence: nonsense.
Genome position (GRCh38, 1-based): chr13:51,935,659, C>T on the plus strand (G>A on the coding strand, the complement: ATP7B is on the minus strand). VCF-style: chr13-51935659-C-T. GRCh37 (hg19) VCF-style: chr13-52509795-C-T.
Other names: p.Trp1353*; c.3437G>A, p.Trp1146Ter (NM_001005918.3); c.3725G>A, p.Trp1242Ter (NM_001243182.2); c.3824G>A, p.Trp1275Ter (NM_001330578.2); c.3806G>A, p.Trp1269Ter (NM_001330579.2); short protein forms W1353*, W1242*, W1269*, W1146*, W1275*.
Identifiers: ClinVar variation 35729 (VCV000035729.64), dbSNP rs193922110, ClinGen allele CA260150.

ClinVar aggregate classification (germline): Pathogenic/Likely pathogenic. Review status: criteria provided, multiple submitters, no conflicts (2 of 4 stars). 14 submissions from 14 submitters: Pathogenic (11); Likely pathogenic (2). 1 of the submissions does not count toward it. Last evaluated 2026-04-07.

Conditions:
ATP7B-related disorder. Also called: ATP7B-related condition.
Wilson disease (WND). Also called: Wilson's disease. Identifiers: Orphanet 905, MedGen C0019202, MONDO:0010200, OMIM 277900. Disease mechanism: loss of function.

Allele frequency attached by ClinVar (database versions not stated): ExAC 0.00001; gnomAD 0.00001; gnomAD exomes 0.00001; TOPMed 0.00003.
gnomAD v4.1: 37 of 1,613,566 alleles (0.0023%); highest among the groups gnomAD compares: Non-Finnish European, 0.0026%; no homozygotes.

Submissions (14):

PreventionGenetics, part of Exact Sciences
Classification: Pathogenic for ATP7B-related condition. Last evaluated: 2026-04-07. Review status: criteria provided, single submitter. Criteria: ACMG Guidelines, 2015. Collection method: clinical testing. Allele origin: germline.
Comment: The ATP7B c.4058G>A variant is predicted to result in premature protein termination (p.Trp1353*). This variant was reported in a cohort of patients with Wilson disease (Curtis et al 1999. PubMed ID: 10502777). An alternate nucleotide substitution in the same codon leading to the same predicted protein truncation (c.4059G>A, p.Trp1353*) has also been reported in a cohort of patients diagnosed with Wilson Disease (Dong et al. 2016. PubMed ID: 27022412). This variant is reported in 0.00090% of alleles in individuals of European (Non-Finnish) descent in gnomAD. Nonsense variants in ATP7B are expected to be pathogenic. This variant is interpreted as pathogenic.

Labcorp Genetics (formerly Invitae), Labcorp
Classification: Pathogenic for Wilson disease. Last evaluated: 2025-12-08. Review status: criteria provided, single submitter. Criteria: Invitae Variant Classification Sherloc (09022015). Collection method: clinical testing. Allele origin: germline.
Comment: This sequence change creates a premature translational stop signal (p.Trp1353*) in the ATP7B gene. It is expected to result in an absent or disrupted protein product. Loss-of-function variants in ATP7B are known to be pathogenic (PMID: 10441329, 16283883). This variant is present in population databases (rs193922110, gnomAD 0.0009%). This premature translational stop signal has been observed in individual(s) with Wilson disease (PMID: 10502777). ClinVar contains an entry for this variant (Variation ID: 35729). For these reasons, this variant has been classified as Pathogenic.

All of Us Research Program, National Institutes of Health
Classification: Pathogenic for Wilson disease. Last evaluated: 2024-08-06. Review status: criteria provided, single submitter. Criteria: ACMG Guidelines, 2015. Collection method: clinical testing. Allele origin: germline. Inheritance: Autosomal recessive inheritance. Observed: 7 variant alleles, 7 heterozygotes.
Comment: This variant changes 1 nucleotide in exon 20 of the ATP7B gene, creating a premature translation stop signal. This variant is expected to result in an absent or non-functional protein product. This variant has been reported in individuals affected with Wilson disease (PMID: 10502777, 23518715, 30232804, 35222532). In several of these individuals, this variant has been confirmed to be in the compound heterozygous state (PMID: 23518715). This variant has been identified in 2/245964 chromosomes in the general population by the Genome Aggregation Database (gnomAD). Loss of ATP7B function is a known mechanism of disease. Based on the available evidence, this variant is classified as Pathogenic.

This study involves interpretation of variants in research participants for the purpose of population health screening. Participant phenotype was not available at the time of variant classification. Additional details can be found in publication PMID: 35346344, PMCID: PMC8962531

Natera, Inc.
Classification: Pathogenic for Wilson disease. Last evaluated: 2024-05-23. Review status: criteria provided, single submitter. Criteria: Natera Variant Classification Schema (03/2026). Collection method: clinical testing. Allele origin: germline.
Comment: The c.4058G>A variant in ATP7B is a nonsense variant predicted to introduce a stop codon at amino acid 1353. This variant is expected to result in nonsense mediated decay, truncation, or a dysfunctional protein product. This variant is rare in the general population with a frequency below the threshold expected for the associated phenotype(s). This variant has been observed in one or more individuals affected with the associated recessive disease, as either homozygous or compound heterozygous with a second variant (PMID: 33640437). Given the available evidence, this variant is classified as Pathogenic.

Color Diagnostics, LLC DBA Color Health
Classification: Pathogenic for Wilson disease. Last evaluated: 2024-05-16. Review status: criteria provided, single submitter. Criteria: ACMG Guidelines, 2015. Collection method: clinical testing. Allele origin: germline.
Comment: This variant changes 1 nucleotide in exon 20 of the ATP7B gene, creating a premature translation stop signal. This variant is expected to result in an absent or non-functional protein product. This variant has been reported in individuals affected with Wilson disease (PMID: 10502777, 23518715, 30232804, 35222532). In several of these individuals, this variant has been confirmed to be in the compound heterozygous state (PMID: 23518715). This variant has been identified in 2/245964 chromosomes in the general population by the Genome Aggregation Database (gnomAD). Loss of ATP7B function is a known mechanism of disease. Based on the available evidence, this variant is classified as Pathogenic.

Baylor Genetics
Classification: Pathogenic for Wilson disease. Last evaluated: 2024-02-15. Review status: criteria provided, single submitter. Criteria: ACMG Guidelines, 2015. Collection method: clinical testing. Allele origin: unknown.

ARUP Laboratories, Molecular Genetics and Genomics, ARUP Laboratories
Classification: Pathogenic for Wilson disease. Last evaluated: 2023-03-03. Review status: criteria provided, single submitter. Criteria: ARUP Molecular Germline Variant Investigation Process 2024. Collection method: clinical testing. Allele origin: germline.
Comment: The ATP7B c.4058G>A; p.Trp1353Ter variant (rs193922110) is reported in the literature in individuals affected with Wilson's disease (Coffey 2013, Curtis 1999, Singh 2019). This variant is also reported in ClinVar (Variation ID: 35729), and is only observed on two alleles in the Genome Aggregation Database, indicating it is not a common polymorphism. This variant induces an early termination codon and is predicted to result in a truncated protein or mRNA subject to nonsense-mediated decay. Additionally, several downstream truncating variants have been described in individuals with Wilson's disease and are considered pathogenic (Coffey 2013, Singh 2019). Based on available information, this variant is considered to be pathogenic. References: Coffey AJ et al. A genetic study of Wilson's disease in the United Kingdom. Brain. 2013 May;136(Pt 5):1476-87. PMID: 23518715. Curtis D et al. A study of Wilson disease mutations in Britain. Hum Mutat. 1999;14(4):304-11. PMID: 10502777. Singh N et al. Genetic analysis of ATP7B in 102 south Indian families with Wilson disease. PLoS One. 2019 May 6;14(5):e0215779. PMID: 31059521.

Mayo Clinic Laboratories, Mayo Clinic
Classification: Pathogenic. Last evaluated: 2022-05-06. Review status: criteria provided, single submitter. Criteria: ACMG Guidelines, 2015. Collection method: clinical testing. Allele origin: germline. Observed: 1 variant allele.
Comment: PP4, PM2, PVS1

Genome-Nilou Lab
Classification: Pathogenic for Wilson disease. Last evaluated: 2021-08-10. Review status: criteria provided, single submitter. Criteria: ACMG Guidelines, 2015. Collection method: clinical testing. Allele origin: germline. Affected: no.

Women's Health and Genetics/Laboratory Corporation of America, LabCorp
Classification: Pathogenic for Wilson disease. Last evaluated: 2021-02-17. Review status: criteria provided, single submitter. Criteria: LabCorp Variant Classification Summary - May 2015. Collection method: clinical testing. Allele origin: germline.
Comment: Variant summary: ATP7B c.4058G>A (p.Trp1353X) results in a premature termination codon, predicted to cause a truncation of the encoded protein or absence of the protein due to nonsense mediated decay, which are commonly known mechanisms for disease. At-least one truncation downstream of this position has been classified as pathogenic by our laboratory. The variant allele was found at a frequency of 8.1e-06 in 247964 control chromosomes. c.4058G>A has been reported in the literature in at-least one individual affected with Wilson Disease and subsequently cited by others (example, Curtis_1999 and Coffey_2003, Li_2012, Singh_2019). To our knowledge, no experimental evidence demonstrating an impact on protein function has been reported. Three clinical diagnostic laboratories have submitted clinical-significance assessments for this variant to ClinVar after 2014 without evidence for independent evaluation. All laboratories classified the variant as pathogenic (n=2)/likely pathogenic (n=1). One submitter cites overlapping evidence utilized in the context of this evaluation. Based on the evidence outlined above, the variant was classified as pathogenic.

Laboratory for Molecular Medicine, Mass General Brigham Personalized Medicine
Classification: Likely pathogenic for Wilson disease. Last evaluated: 2020-06-11. Review status: criteria provided, single submitter. Criteria: ACMG Guidelines, 2015. Collection method: clinical testing. Allele origin: germline.
Comment: The p.Trp1353X variant in ATP7B has been previously reported in one individual with Wilson disease (Curtis 1999) and has also been reported in ClinVar (Variation ID 35729). This variant has also been identified in 0.0008% (1/111198) of European chromosomes by gnomAD. This nonsense variant leads to a premature termination codon at position 1353, which is predicted to lead to a truncated or absent protein. Loss of function of the ATP7B gene is an established disease mechanism in autosomal recessive Wilson disease. In summary, although additional studies are required to fully establish its clinical significance, this variant meets criteria to be classified as likely pathogenic for autosomal recessive Wilson disease. ACMG/AMP Criteria applied: PVS1, PM2.

GeneDx
Classification: Likely pathogenic. Last evaluated: 2018-04-04. Review status: criteria provided, single submitter. Criteria: GeneDx Variant Classification (06012015). Collection method: clinical testing. Allele origin: germline. Affected: yes.
Comment: The W1353X variant in the ATP7B gene has been reported previously in association with Wilson disease, however it was identified in a single allele among a cohort of unrelated affected patients without information about zygosity (Curtis et al., 1999). This variant is predicted to cause loss of normal protein function either through protein truncation or nonsense-mediated mRNA decay. The W1353X variant is not observed at a significant frequency in large population cohorts (Lek et al., 2016). We interpret W1353X as a likely pathogenic variant.

CeGaT Center for Human Genetics Tuebingen
Classification: Pathogenic. Last evaluated: 2018-02-01. Review status: criteria provided, single submitter. Criteria: CeGaT Center For Human Genetics Tuebingen Variant Classification Criteria Version 2. Collection method: clinical testing. Allele origin: germline. Affected: yes. Observed: 2 variant alleles.

Counsyl
Classification: Likely pathogenic for Wilson's disease. Last evaluated: 2014-06-25. Review status: no assertion criteria provided. Collection method: literature only. Allele origin: unknown. Inheritance: Autosomal recessive inheritance. Not counted in ClinVar's aggregate classification.

Literature cited by the submitters: PubMed 10441329 (cited by Labcorp Genetics (formerly Invitae), Labcorp); PubMed 16283883 (cited by Labcorp Genetics (formerly Invitae), Labcorp); PubMed 10502777 (cited by 7 submitters); PubMed 23518715 (cited by 3 submitters); PubMed 30232804 (cited by 3 submitters); PubMed 35222532 (cited by All of Us Research Program, National Institutes of Health and Color Diagnostics, LLC DBA Color Health); PubMed 33640437 (cited by Natera, Inc.); PubMed 27022412 (cited by Mayo Clinic Laboratories, Mayo Clinic); PubMed 23235335 (cited by Women's Health and Genetics/Laboratory Corporation of America, LabCorp); PubMed 31059521 (cited by Women's Health and Genetics/Laboratory Corporation of America, LabCorp); PubMed 25525159 (cited by Laboratory for Molecular Medicine, Mass General Brigham Personalized Medicine); PubMed 21454443 (cited by Counsyl).